The following is an entry in ClinVar:

ClinVar aggregate classification (germline): Benign (1 of 4 stars; one submission).

Allele frequency attached by ClinVar (database versions not stated): gnomAD 0.45674 and 0.46438; TOPMed 0.48198; 1000 Genomes Project 0.56230; 1000 Genomes Project 30x 0.56340.
gnomAD v4.1: 70,515 of 152,084 alleles (46%); highest among the groups gnomAD compares: East Asian, 81%; 17,043 homozygotes.

Submission:

GeneDx
Classification: Benign. Last evaluated: 2018-06-18. Review status: criteria provided, single submitter. Criteria: GeneDx Variant Classification (06012015). Collection method: clinical testing. Allele origin: germline. Affected: yes.
Comment: This variant is considered likely benign or benign based on one or more of the following criteria: it is a conservative change, it occurs at a poorly conserved position in the protein, it is predicted to be benign by multiple in silico algorithms, and/or has population frequency not consistent with disease.

NM_000069.3(CACNA1S):c.258+204C>T

Gene: CACNA1S (calcium voltage-gated channel subunit alpha1 S; minus strand). Cytogenetic location: 1q32.1.
Variant type: single nucleotide variant.
Coding change: c.258+204C>T on transcript NM_000069.3 (MANE Select); 204 bases into the intron after coding-DNA position 258, C replaced by T.
Molecular consequence: intron variant.
Genome position (GRCh38, 1-based): chr1:201,109,960, G>A on the plus strand (C>T on the coding strand, the complement: CACNA1S is on the minus strand). VCF-style: chr1-201109960-G-A. GRCh37 (hg19) VCF-style: chr1-201079088-G-A.
Identifiers: ClinVar variation 678215 (VCV000678215.1), dbSNP rs1325311, ClinGen allele CA10697345.
Genomic context (GRCh38, chr1:201,109,960, plus strand): 5'-CTCATCAGGTATTAGCACAGTGCCTGGGACCAATGAGTGCGTGCTTAGTGCTGGCTGACA[G>A]TATCAGAATCTGGAATAAGCAGGTTGACCCTGGAAACCCATTGAGCCACTCAGCCAGCCC-3'